The following is an entry in ClinVar:

NM_002397.5(MEF2C):c.461G>T (p.Ser154Ile)

Gene: MEF2C (myocyte enhancer factor 2C; minus strand). Cytogenetic location: 5q14.3.
Variant type: single nucleotide variant.
Coding change: c.461G>T on transcript NM_002397.5 (MANE Select); coding-DNA position 461, G replaced by T.
Protein change: p.Ser154Ile; replaces serine 154 with isoleucine.
Molecular consequence: missense variant.
Genome position (GRCh38, 1-based): chr5:88,751,985, C>A on the plus strand (G>T on the coding strand, the complement: MEF2C is on the minus strand). VCF-style: chr5-88751985-C-A. GRCh37 (hg19) VCF-style: chr5-88047802-C-A.
Other names: c.455G>T, p.Ser152Ile (NM_001131005.2, NM_001364343.2, NM_001364352.2); c.515G>T, p.Ser172Ile (NM_001193347.1, NM_001364338.2); c.317G>T, p.Ser106Ile (NM_001193348.1, NM_001193349.3, NM_001364332.2 and 3 more transcripts); c.461G>T, p.Ser154Ile (NM_001193350.2, NM_001308002.3, NM_001363581.2 and 18 more transcripts); c.83G>T, p.Ser28Ile (NM_001364353.2, NM_001364356.2); c.35G>T, p.Ser12Ile (NM_001364357.2); short protein forms S106I, S152I, S12I, S154I, S172I, S28I.
Identifiers: ClinVar variation 2834907 (VCV002834907.3), dbSNP rs1773005420, ClinGen allele CA360423931.
Genomic context (GRCh38, chr5:88,751,985, plus strand): 5'-TGAGCCAGTGGCAATAGGTTGGGGTTTCCCAGTGAGCTGACAGGGTTGCTGTACACCAAA[C>A]TGTTGTGGCTGGACACTGGGATGGAGACTGGCATCTCGAAGTTGGGAGGTGGAACAGCCT-3'
Protein context (NP_002388.2, residues 144-164): PVSIPVSSHN[Ser154Ile]LVYSNPVSSL

ClinVar aggregate classification (germline): Uncertain significance (1 of 4 stars; one submission).

Conditions:
Neurodevelopmental disorder with hypotonia, stereotypic hand movements, and impaired language. Also called: Intellectual disability, autosomal dominant 20. Identifiers: Orphanet 228384, Orphanet 664410, MedGen C3150700, MONDO:0013266, OMIM 613443.

Submission:

Labcorp Genetics (formerly Invitae), Labcorp
Classification: Uncertain significance for Neurodevelopmental disorder with hypotonia, stereotypic hand movements, and impaired language. Last evaluated: 2023-02-05. Review status: criteria provided, single submitter. Criteria: Invitae Variant Classification Sherloc (09022015). Collection method: clinical testing. Allele origin: germline.
Comment: In summary, the available evidence is currently insufficient to determine the role of this variant in disease. Therefore, it has been classified as a Variant of Uncertain Significance. Advanced modeling of protein sequence and biophysical properties (such as structural, functional, and spatial information, amino acid conservation, physicochemical variation, residue mobility, and thermodynamic stability) has been performed at Invitae for this missense variant, however the output from this modeling did not meet the statistical confidence thresholds required to predict the impact of this variant on MEF2C protein function. This variant has not been reported in the literature in individuals affected with MEF2C-related conditions. This variant is not present in population databases (gnomAD no frequency). This sequence change replaces serine, which is neutral and polar, with isoleucine, which is neutral and non-polar, at codon 154 of the MEF2C protein (p.Ser154Ile).